The following is an entry in ClinVar:

NM_001040108.2(MLH3):c.2330G>A (p.Gly777Glu)

Gene: MLH3 (mutL homolog 3; minus strand). Cytogenetic location: 14q24.3.
Variant type: single nucleotide variant.
Coding change: c.2330G>A on transcript NM_001040108.2 (MANE Select); coding-DNA position 2330, G replaced by A.
Protein change: p.Gly777Glu; replaces glycine 777 with glutamic acid.
Molecular consequence: missense variant.
Genome position (GRCh38, 1-based): chr14:75,047,326, C>T on the plus strand (G>A on the coding strand, the complement: MLH3 is on the minus strand). VCF-style: chr14-75047326-C-T. GRCh37 (hg19) VCF-style: chr14-75514029-C-T.
Other names: c.2330G>A (NM_001040108.1); c.2330G>A, p.Gly777Glu (NM_014381.3); short protein forms G777E.
Identifiers: ClinVar variation 1525649 (VCV001525649.10), dbSNP rs1027700572, ClinGen allele CA263648402.

ClinVar aggregate classification (germline): Conflicting classifications of pathogenicity. Review status: criteria provided, conflicting classifications (1 of 4 stars). 2 submissions from 2 submitters: Uncertain significance (1); Likely benign (1). Last evaluated 2026-02-06.

Conditions:
Colorectal cancer, hereditary nonpolyposis, type 7. Identifiers: Orphanet 144, MedGen C1858380, MONDO:0013725, OMIM 614385.

Allele frequency attached by ClinVar (database versions not stated): TOPMed 0.00001; gnomAD 0.00002.
gnomAD v4.1: 3 of 1,613,982 alleles (0.00019%); highest among the groups gnomAD compares: African/African-American, 0.004%; no homozygotes.

Submissions (2):

Ambry Genetics
Classification: Likely benign. Last evaluated: 2026-02-06. Review status: criteria provided, single submitter. Criteria: Ambry Variant Classification Scheme 2023. Collection method: clinical testing. Allele origin: germline.

Labcorp Genetics (formerly Invitae), Labcorp
Classification: Uncertain significance for Colorectal cancer, hereditary nonpolyposis, type 7. Last evaluated: 2022-02-25. Review status: criteria provided, single submitter. Criteria: Invitae Variant Classification Sherloc (09022015). Collection method: clinical testing. Allele origin: germline.
Comment: In summary, the available evidence is currently insufficient to determine the role of this variant in disease. Therefore, it has been classified as a Variant of Uncertain Significance. Algorithms developed to predict the effect of missense changes on protein structure and function output the following: SIFT: "Tolerated"; PolyPhen-2: "Benign"; Align-GVGD: "Class C0". The glutamic acid amino acid residue is found in multiple mammalian species, which suggests that this missense change does not adversely affect protein function. This variant has not been reported in the literature in individuals affected with MLH3-related conditions. This variant is present in population databases (no rsID available, gnomAD 0.02%). This sequence change replaces glycine, which is neutral and non-polar, with glutamic acid, which is acidic and polar, at codon 777 of the MLH3 protein (p.Gly777Glu).